The following is an entry in ClinVar:

NM_001692.4(ATP6V1B1):c.1319_1320del (p.Thr439_Ser440insTer)

Gene: ATP6V1B1 (ATPase H+ transporting V1 subunit B1; plus strand). Cytogenetic location: 2p13.3.
Variant type: Microsatellite.
Coding change: c.1319_1320del on transcript NM_001692.4 (MANE Select); coding-DNA positions 1319 to 1320, 2 bases deleted (CT; older notation c.1319_1320delCT).
Protein change: p.Thr439_Ser440insTer.
Molecular consequence: nonsense.
Genome position (GRCh38, 1-based): chr2:70,964,806-70,964,807, CT deleted; deleting any 2 consecutive bases within chr2:70,964,804-70,964,807 gives the same sequence; the c. name uses the placement nearest the transcript's 3' end. VCF-style (leftmost placement, unchanged base first): chr2-70964803-CCT-C. GRCh37 (hg19) VCF-style: chr2-71191933-CCT-C.
Identifiers: ClinVar variation 3718016 (VCV003718016.2).

ClinVar aggregate classification (germline): Pathogenic (1 of 4 stars; one submission).

Submission:

Labcorp Genetics (formerly Invitae), Labcorp
Classification: Pathogenic. Last evaluated: 2024-12-06. Review status: criteria provided, single submitter. Criteria: Invitae Variant Classification Sherloc (09022015). Collection method: clinical testing. Allele origin: germline.
Comment: This sequence change creates a premature translational stop signal (p.Ser440*) in the ATP6V1B1 gene. It is expected to result in an absent or disrupted protein product. Loss-of-function variants in ATP6V1B1 are known to be pathogenic (PMID: 9916796, 18368028). This variant is not present in population databases (gnomAD no frequency). This variant has not been reported in the literature in individuals affected with ATP6V1B1-related conditions. For these reasons, this variant has been classified as Pathogenic.

Literature cited by the submitters: PubMed 9916796; PubMed 18368028.